The following is an entry in ClinVar:

ClinVar aggregate classification (germline): Uncertain significance (1 of 4 stars; one submission).

Conditions:
Lymphatic malformation 6 (LMPHM6). Also called: GENERALIZED LYMPHATIC DYSPLASIA OF FOTIOU; Lymphedema, hereditary, III; PIEZO1-related generalized lymphatic dysplasia with non-immune hydrops fetalis. Identifiers: Orphanet 568062, MedGen C4225184, MONDO:0014797, OMIM 616843.

Submission:

Clinical Genomics Laboratory, Washington University in St. Louis
Classification: Uncertain significance for Lymphatic malformation 6. Last evaluated: 2025-10-15. Review status: criteria provided, single submitter. Criteria: ACMG Guidelines, 2015. Collection method: clinical testing. Allele origin: germline.
Comment: A PIEZO1 c.2959A>C p.Ile987Leu variant was identified at an allelic fraction consistent with somatic origin. This variant, to our knowledge, has not been reported in the medical literature. It is absent from the general population (gnomAD v4.1.0), indicating it is not a common variant. Computational predictors suggest that the variant does not impact PIEZO1 function. Due to limited information, and based on internally developed protocol informed by the ACMG/AMP guidelines for variant interpretation and gene-specific practices from the ClinGen Criteria Specification Registry (Leon-Quintero FZ et al., PMID: 39434542), the clinical significance of the PIEZO1 c.2959A>C p.Ile987Leu variant is uncertain at this time.

NM_001142864.4(PIEZO1):c.2959A>C (p.Ile987Leu)

Genes: HSALR1 (HSP90AB1 associated lncRNA 1; plus strand), PIEZO1 (piezo type mechanosensitive ion channel component 1 (Er blood group); minus strand). Cytogenetic location: 16q24.3.
Variant type: single nucleotide variant.
Coding change: c.2959A>C on transcript NM_001142864.4 (MANE Select); coding-DNA position 2959, A replaced by C.
Protein change: p.Ile987Leu; replaces isoleucine 987 with leucine.
Molecular consequence: missense variant.
Genome position (GRCh38, 1-based): chr16:88,732,367, T>G on the plus strand (A>C on the coding strand, the complement: PIEZO1 is on the minus strand). VCF-style: chr16-88732367-T-G. GRCh37 (hg19) VCF-style: chr16-88798775-T-G.
Other names: short protein forms I987L.
Identifiers: ClinVar variation 4974607 (VCV004974607.1).